The following is an entry in ClinVar:

ClinVar aggregate classification (germline): Uncertain significance (1 of 4 stars; one submission).

Submission:

GeneDx
Classification: Uncertain significance. Last evaluated: 2024-10-10. Review status: criteria provided, single submitter. Criteria: GeneDx Variant Classification Process June 2021. Collection method: clinical testing. Allele origin: germline. Affected: yes.
Comment: Not observed at significant frequency in large population cohorts (gnomAD); In silico analysis indicates that this missense variant does not alter protein structure/function; Has not been previously published as pathogenic or benign to our knowledge

NM_001127222.2(CACNA1A):c.3361A>G (p.Ser1121Gly)

Gene: CACNA1A (calcium voltage-gated channel subunit alpha1 A; minus strand). Cytogenetic location: 19p13.13.
Variant type: single nucleotide variant.
Coding change: c.3361A>G on transcript NM_001127222.2 (MANE Select); coding-DNA position 3361, A replaced by G.
Protein change: p.Ser1121Gly; replaces serine 1121 with glycine.
Molecular consequence: missense variant.
Genome position (GRCh38, 1-based): chr19:13,286,695, T>C on the plus strand (A>G on the coding strand, the complement: CACNA1A is on the minus strand). VCF-style: chr19-13286695-T-C. GRCh37 (hg19) VCF-style: chr19-13397509-T-C.
Other names: c.3373A>G, p.Ser1125Gly (NM_000068.4, NM_023035.3); c.3364A>G, p.Ser1122Gly (NM_001127221.2, NM_001174080.2); short protein forms S1121G, S1122G, S1125G.
Identifiers: ClinVar variation 3777552 (VCV003777552.1).